The following is an entry in ClinVar:

ClinVar aggregate classification (germline): Uncertain significance (1 of 4 stars; one submission).

Submission:

GeneDx
Classification: Uncertain significance. Last evaluated: 2019-12-02. Review status: criteria provided, single submitter. Criteria: GeneDx Variant Classification Process June 2021. Collection method: clinical testing. Allele origin: germline. Affected: yes.
Comment: Not observed in large population cohorts (Lek et al., 2016); Has not been previously published as pathogenic or benign to our knowledge

NM_001032283.3(TMPO):c.565+1479T>C

Gene: TMPO (thymopoietin; plus strand). Cytogenetic location: 12q23.1.
Variant type: single nucleotide variant.
Coding change: c.565+1479T>C on transcript NM_001032283.3 (MANE Select); 1479 bases into the intron after coding-DNA position 565, T replaced by C.
Molecular consequence: intron variant. On other transcripts: missense variant (1).
Genome position (GRCh38, 1-based): chr12:98,533,317, T>C. VCF-style: chr12-98533317-T-C. GRCh37 (hg19) VCF-style: chr12-98927095-T-C.
Other names: c.1060T>C, p.Ser354Pro (NM_003276.2); c.565+1479T>C (NM_001307975.2, NM_001032284.3); short protein forms S354P.
Identifiers: ClinVar variation 1303335 (VCV001303335.2), dbSNP rs2121204816, ClinGen allele CA386152388.